The following is an entry in ClinVar:

ClinVar aggregate classification (germline): Uncertain significance (1 of 4 stars; one submission).

Allele frequency attached by ClinVar (database versions not stated): ExAC 0.00002; TOPMed 0.00004; gnomAD 0.00006.
gnomAD v4.1: 59 of 1,601,218 alleles (0.0037%); highest among the groups gnomAD compares: Non-Finnish European, 0.0048%; no homozygotes.

Submission:

GeneDx
Classification: Uncertain significance. Last evaluated: 2022-10-07. Review status: criteria provided, single submitter. Criteria: GeneDx Variant Classification Process June 2021. Collection method: clinical testing. Allele origin: germline. Affected: yes.
Comment: In-silico analyses, including protein predictors and evolutionary conservation, support that this variant does not alter protein structure/function; Has not been previously published as pathogenic or benign to our knowledge

NC_000016.10:g.46689709G>A

Genes: ORC6 (origin recognition complex subunit 6; plus strand), VPS35 (VPS35 retromer complex component; minus strand). Cytogenetic location: 16q11.2.
Variant type: single nucleotide variant.
Molecular consequence: missense variant (on NM_014321.4). On other transcripts: non-coding transcript variant (1).
Genome position: GRCh38 VCF-style: chr16-46689709-G-A. GRCh37 (hg19) VCF-style: chr16-46723621-G-A.
Other names: c.4G>A, p.Gly2Arg (NM_014321.4); short protein forms G2R.
Identifiers: ClinVar variation 2497850 (VCV002497850.1), dbSNP rs776126119, ClinGen allele CA8037243.